The following is an entry in ClinVar:

NM_001365536.1(SCN9A):c.2063G>C (p.Arg688Thr)

Genes: SCN1A-AS1 (SCN1A and SCN9A antisense RNA 1; plus strand), SCN9A (sodium voltage-gated channel alpha subunit 9; minus strand). Cytogenetic location: 2q24.3.
Variant type: single nucleotide variant.
Coding change: c.2063G>C on transcript NM_001365536.1 (MANE Select); coding-DNA position 2063, G replaced by C.
Protein change: p.Arg688Thr; replaces arginine 688 with threonine.
Molecular consequence: missense variant.
Genome position (GRCh38, 1-based): chr2:166,281,720, C>G on the plus strand (G>C on the coding strand, the complement: SCN9A is on the minus strand). VCF-style: chr2-166281720-C-G. GRCh37 (hg19) VCF-style: chr2-167138230-C-G.
Other names: c.2030G>C, p.Arg677Thr (NM_002977.4); short protein forms R688T, R677T.
Identifiers: ClinVar variation 936113 (VCV000936113.10), dbSNP rs372147847, ClinGen allele CA1944349.

ClinVar aggregate classification (germline): Uncertain significance (1 of 4 stars; one submission).

Conditions:
Neuropathy, hereditary sensory and autonomic, type 2A (HSAN2A). Also called: WNK1-Related HSAN2 (HSAN2A); ACROOSTEOLYSIS, GIACCAI TYPE; ACROOSTEOLYSIS, NEUROGENIC; HSAN IIA; NEUROPATHY, CONGENITAL SENSORY; NEUROPATHY, HEREDITARY SENSORY RADICULAR, AUTOSOMAL RECESSIVE. Identifiers: Orphanet 970, MedGen C2752089, MONDO:0024309, OMIM 201300.
Generalized epilepsy with febrile seizures plus, type 7 (GEFSP7). Also called: GEFS+, TYPE 7. Identifiers: Orphanet 36387, MedGen C2751778, MONDO:0013470, OMIM 613863.

Allele frequency attached by ClinVar (database versions not stated): ExAC 0.00001; ESP Exome Variant Server 0.00008.
gnomAD v4.1: 1 of 1,613,376 alleles (0.000062%); highest among the groups gnomAD compares: Non-Finnish European, 0.000085%; no homozygotes.

Submission:

Labcorp Genetics (formerly Invitae), Labcorp
Classification: Uncertain significance for Neuropathy, hereditary sensory and autonomic, type 2A; Generalized epilepsy with febrile seizures plus, type 7. Last evaluated: 2019-10-07. Review status: criteria provided, single submitter. Criteria: Invitae Variant Classification Sherloc (09022015). Collection method: clinical testing. Allele origin: germline.
Comment: This sequence change replaces arginine with threonine at codon 677 of the SCN9A protein (p.Arg677Thr). The arginine residue is highly conserved and there is a moderate physicochemical difference between arginine and threonine. This variant is present in population databases (rs372147847, ExAC 0.001%). This variant has not been reported in the literature in individuals with SCN9A-related conditions. Algorithms developed to predict the effect of missense changes on protein structure and function (SIFT, PolyPhen-2, Align-GVGD) all suggest that this variant is likely to be disruptive, but these predictions have not been confirmed by published functional studies and their clinical significance is uncertain. In summary, the available evidence is currently insufficient to determine the role of this variant in disease. Therefore, it has been classified as a Variant of Uncertain Significance.